The following is an entry in ClinVar:

ClinVar aggregate classification (germline): Likely benign (0 of 4 stars; one submission).

Conditions:
FOCAD-related disorder. Also called: FOCAD-related condition.

Allele frequency attached by ClinVar (database versions not stated): gnomAD exomes below 0.00001; gnomAD 0.00001; TOPMed 0.00002.
gnomAD v4.1: 2 of 1,610,126 alleles (0.00012%); highest among the groups gnomAD compares: African/African-American, 0.0013%; no homozygotes.

Submission:

PreventionGenetics, part of Exact Sciences
Classification: Likely benign for FOCAD-related condition. Last evaluated: 2022-09-22. Review status: no assertion criteria provided. Collection method: clinical testing. Allele origin: germline.
Comment: This variant is classified as likely benign based on ACMG/AMP sequence variant interpretation guidelines (Richards et al. 2015 PMID: 25741868, with internal and published modifications).

NM_001375567.1(FOCAD):c.4359A>G (p.Pro1453=)

Gene: FOCAD (focadhesin; plus strand). Cytogenetic location: 9p21.3.
Variant type: single nucleotide variant.
Coding change: c.4359A>G on transcript NM_001375567.1 (MANE Select); coding-DNA position 4359, A replaced by G.
Protein change: p.Pro1453=; no amino-acid change (proline 1453 retained).
Molecular consequence: synonymous variant.
Genome position (GRCh38, 1-based): chr9:20,978,436, A>G. VCF-style: chr9-20978436-A-G. GRCh37 (hg19) VCF-style: chr9-20978435-A-G.
Other names: c.4254A>G, p.Pro1418= (NM_001375568.1, NM_001375570.1); c.4359A>G, p.Pro1453= (NM_017794.5).
Identifiers: ClinVar variation 3052689 (VCV003052689.2), dbSNP rs1278951921, ClinGen allele CA464056420.